The following is an entry in ClinVar:

ClinVar aggregate classification (germline): Benign (1 of 4 stars; one submission).

Conditions:
Weill-Marchesani 4 syndrome, recessive. Also called: Weill-Marchesani syndrome 4. Identifiers: Orphanet 363992, MedGen C2750787, MONDO:0013176, OMIM 613195.

Allele frequency attached by ClinVar (database versions not stated): TOPMed 0.01073; gnomAD 0.01077; 1000 Genomes Project 0.01078.

Submission:

Illumina Laboratory Services, Illumina
Classification: Benign for Weill-Marchesani 4 syndrome, recessive. Last evaluated: 2018-01-12. Review status: criteria provided, single submitter. Criteria: ICSL Variant Classification Criteria 13 December 2019. Collection method: clinical testing. Allele origin: germline.
Comment: This variant was observed in the ICSL laboratory as part of a predisposition screen in an ostensibly healthy population. It had not been previously curated by ICSL or reported in the Human Gene Mutation Database (HGMD: prior to June 1st, 2018), and was therefore a candidate for classification through an automated scoring system. Utilizing variant allele frequency, disease prevalence and penetrance estimates, and inheritance mode, an automated score was calculated to assess if this variant is too frequent to cause the disease. Based on the score and internal cut-off values, a variant classified as benign is not then subjected to further curation. The score for this variant resulted in a classification of benign for this disease.

NM_139057.4(ADAMTS17):c.*2578G>A

Gene: ADAMTS17 (ADAM metallopeptidase with thrombospondin type 1 motif 17; minus strand). Cytogenetic location: 15q26.3.
Variant type: single nucleotide variant.
Coding change: c.*2578G>A on transcript NM_139057.4 (MANE Select); 2578 bases downstream of the stop codon, G replaced by A.
Molecular consequence: 3 prime UTR variant.
Genome position (GRCh38, 1-based): chr15:99,971,824, C>T on the plus strand (G>A on the coding strand, the complement: ADAMTS17 is on the minus strand). VCF-style: chr15-99971824-C-T. GRCh37 (hg19) VCF-style: chr15-100512029-C-T.
Identifiers: ClinVar variation 315135 (VCV000315135.5), dbSNP rs183671964, ClinGen allele CA10647615.